The following is an entry in ClinVar:

ClinVar aggregate classification (germline): Uncertain significance. Review status: criteria provided, multiple submitters, no conflicts (2 of 4 stars). 4 submissions from 4 submitters: Uncertain significance (4). Last evaluated 2026-07-07.

Conditions:
Renal hypomagnesemia 6. Identifiers: Orphanet 34527, MedGen C3151295, MONDO:0013480, OMIM 613882.
Hypomagnesemia, seizures, and impaired intellectual development 1. Also called: Hypomagnesemia, seizures, and intellectual disability 1. Identifiers: Orphanet 34527, MedGen C4225333, MONDO:0020787, OMIM 616418.
Inborn genetic diseases. Identifiers: MedGen C0950123, MeSH D030342.

Allele frequency attached by ClinVar (database versions not stated): gnomAD 0.00001; TOPMed below 0.00001; gnomAD exomes 0.00002; ESP Exome Variant Server 0.00008.
gnomAD v4.1: 25 of 1,613,828 alleles (0.0015%); highest among the groups gnomAD compares: Non-Finnish European, 0.002%; no homozygotes.

Submissions (4):

Ambry Genetics
Classification: Uncertain significance for Inborn genetic diseases. Last evaluated: 2026-07-07. Review status: criteria provided, single submitter. Criteria: Ambry Variant Classification Scheme 2023. Collection method: clinical testing. Allele origin: germline.

Fulgent Genetics
Classification: Uncertain significance for Renal hypomagnesemia 6; Hypomagnesemia, seizures, and impaired intellectual development 1. Last evaluated: 2024-05-23. Review status: criteria provided, single submitter. Criteria: ACMG Guidelines, 2015. Collection method: clinical testing. Allele origin: germline.

Labcorp Genetics (formerly Invitae), Labcorp
Classification: Uncertain significance. Last evaluated: 2024-02-26. Review status: criteria provided, single submitter. Criteria: Invitae Variant Classification Sherloc (09022015). Collection method: clinical testing. Allele origin: germline.
Comment: This sequence change replaces alanine, which is neutral and non-polar, with valine, which is neutral and non-polar, at codon 671 of the CNNM2 protein (p.Ala671Val). This variant is not present in population databases (gnomAD no frequency). This variant has not been reported in the literature in individuals affected with CNNM2-related conditions. ClinVar contains an entry for this variant (Variation ID: 298646). Advanced modeling of protein sequence and biophysical properties (such as structural, functional, and spatial information, amino acid conservation, physicochemical variation, residue mobility, and thermodynamic stability) performed at Invitae indicates that this missense variant is not expected to disrupt CNNM2 protein function with a negative predictive value of 80%. In summary, the available evidence is currently insufficient to determine the role of this variant in disease. Therefore, it has been classified as a Variant of Uncertain Significance.

Illumina Laboratory Services, Illumina
Classification: Uncertain significance for Renal hypomagnesemia 6. Last evaluated: 2018-01-13. Review status: criteria provided, single submitter. Criteria: ICSL Variant Classification Criteria 13 December 2019. Collection method: clinical testing. Allele origin: germline.

NM_017649.5(CNNM2):c.2012C>T (p.Ala671Val)

Gene: CNNM2 (cyclin and CBS domain divalent metal cation transport mediator 2; plus strand). Cytogenetic location: 10q24.32.
Variant type: single nucleotide variant.
Coding change: c.2012C>T on transcript NM_017649.5 (MANE Select); coding-DNA position 2012, C replaced by T.
Protein change: p.Ala671Val; replaces alanine 671 with valine.
Molecular consequence: missense variant.
Genome position (GRCh38, 1-based): chr10:103,056,903, C>T. VCF-style: chr10-103056903-C-T. GRCh37 (hg19) VCF-style: chr10-104816660-C-T.
Other names: c.2012C>T (NM_017649.3); c.2012C>T, p.Ala671Val (NM_199076.3); short protein forms A671V.
Identifiers: ClinVar variation 298646 (VCV000298646.11), dbSNP rs375262395, ClinGen allele CA10634472.
Genomic context (GRCh38, chr10:103,056,903, plus strand): 5'-GGCTGCTAAAGCACCCCAATGTCATCCAGGAACTGAAATATGATGAGAAGAACAAGAAAG[C>T]CCCCGAATACTACCTCTACCAGCGCAACAAGCCAGTAGACTACTTCGTTCTCATTCTGCA-3'
Protein context (NP_060119.3, residues 661-681): ELKYDEKNKK[Ala671Val]PEYYLYQRNK